The following is an entry in ClinVar:

ClinVar aggregate classification (germline): Uncertain significance. Review status: criteria provided, multiple submitters, no conflicts (2 of 4 stars). 2 submissions from 2 submitters: Uncertain significance (2). Last evaluated 2023-05-20.

Conditions:
Parkinson disease, late-onset (PD). Also called: Susceptibility to Parkinson's Disease; Hereditary late onset Parkinson disease; PARKINSON DISEASE, LATE-ONSET, SUSCEPTIBILITY TO. Identifiers: Orphanet 411602, MedGen C3160718, MONDO:0008199, OMIM 168600.

Allele frequency attached by ClinVar (database versions not stated): gnomAD exomes below 0.00001.
gnomAD v4.1: 1 of 1,613,902 alleles (0.000062%); highest among the groups gnomAD compares: Non-Finnish European, 0.000085%; no homozygotes.

Submissions (2):

Neuberg Centre For Genomic Medicine, NCGM
Classification: Uncertain significance for Parkinson disease, late-onset. Last evaluated: 2023-05-20. Review status: criteria provided, single submitter. Criteria: ACMG Guidelines, 2015. Collection method: clinical testing. Allele origin: germline. Inheritance: Autosomal dominant inheritance. Affected: yes.
Comment: The observed missense c.802G>A(p.Ala268Thr) variant in GBA gene has not been reported previously as a pathogenic variant nor as a benign variant, to our knowledge. This variant is absent in gnomAD Exomes. This variant has been reported to the ClinVar database as Uncertain Significance. However, no details are available for independent assessment. The amino acid Ala at position 268 is changed to a Thr changing protein sequence and it might alter its composition and physico-chemical properties. The amino acid change p.Ala268Thr in GBA is predicted as conserved by GERP++ and PhyloP across 100 vertebrates. Multiple lines of computational evidence (Polyphen - Damaging, SIFT - Damaging, and MutationTaster - Disease causing) predict a damaging effect on protein structure and function for this variant. For these reasons, this variant has been classified as Uncertain Significance.

Revvity Omics, Revvity
Classification: Uncertain significance. Last evaluated: 2022-01-11. Review status: criteria provided, single submitter. Criteria: ACMG Guidelines, 2015. Collection method: clinical testing. Allele origin: germline.

NM_000157.4(GBA1):c.802G>A (p.Ala268Thr)

Genes: GBA1 (glucosylceramidase beta 1; minus strand), LOC106627981 (GBA recombination region; plus strand). Cytogenetic location: 1q22.
Variant type: single nucleotide variant.
Coding change: c.802G>A on transcript NM_000157.4 (MANE Select); coding-DNA position 802, G replaced by A.
Protein change: p.Ala268Thr; replaces alanine 268 with threonine.
Molecular consequence: missense variant.
Genome position (GRCh38, 1-based): chr1:155,237,538, C>T on the plus strand (G>A on the coding strand, the complement: GBA1 is on the minus strand). VCF-style: chr1-155237538-C-T. GRCh37 (hg19) VCF-style: chr1-155207329-C-T.
Other names: c.802G>A, p.Ala268Thr (NM_001005741.3, NM_001005742.3); c.541G>A, p.Ala181Thr (NM_001171811.2); c.655G>A, p.Ala219Thr (NM_001171812.2); short protein forms A181T, A219T, A268T.
Identifiers: ClinVar variation 2432070 (VCV002432070.4), dbSNP rs2524831721, ClinGen allele CA342720553.
Genomic context (GRCh38, chr1:155,237,538, plus strand): 5'-GGCACTGGAAGGGGTATCCACTCAACAGCCCAGCAGAAGGCTCATTTTCAGCTGTCACTG[C>T]CCAGAACTGTAACTTGTGCTCAGCATAGGCATCCAGGAACCTGGCAAGAGAAAGGTCATG-3'
Protein context (NP_000148.2, residues 258-278): AYAEHKLQFW[Ala268Thr]VTAENEPSAG